The following is an entry in ClinVar:

ClinVar aggregate classification (germline): Uncertain significance. Review status: criteria provided, multiple submitters, no conflicts (2 of 4 stars). 2 submissions from 2 submitters: Uncertain significance (2). Last evaluated 2023-11-10.

Conditions:
Juvenile polyposis syndrome (JPS). Identifiers: Orphanet 2929, MedGen C0345893, MONDO:0017380, OMIM 174900.
Hereditary cancer-predisposing syndrome. Also called: Tumor predisposition; Neoplastic Syndromes, Hereditary; Hereditary Cancer Syndrome; Hereditary neoplastic syndrome. Identifiers: Orphanet 140162, MedGen C0027672, MeSH D009386, MONDO:0015356.
Familial thoracic aortic aneurysm and aortic dissection (TAAD). Also called: Thoracic aortic aneurysms and dissections. Identifiers: Orphanet 91387, MedGen C4707243, MONDO:0019625.

Allele frequency attached by ClinVar (database versions not stated): gnomAD exomes below 0.00001.
gnomAD v4.1: 1 of 1,612,714 alleles (0.000062%); highest among the groups gnomAD compares: Non-Finnish European, 0.000085%; no homozygotes.

Submissions (2):

Labcorp Genetics (formerly Invitae), Labcorp
Classification: Uncertain significance for Juvenile polyposis syndrome. Last evaluated: 2023-11-10. Review status: criteria provided, single submitter. Criteria: Invitae Variant Classification Sherloc (09022015). Collection method: clinical testing. Allele origin: germline.
Comment: This sequence change replaces alanine, which is neutral and non-polar, with threonine, which is neutral and polar, at codon 456 of the SMAD4 protein (p.Ala456Thr). This variant is not present in population databases (gnomAD no frequency). This variant has not been reported in the literature in individuals affected with SMAD4-related conditions. ClinVar contains an entry for this variant (Variation ID: 1770939). Advanced modeling of protein sequence and biophysical properties (such as structural, functional, and spatial information, amino acid conservation, physicochemical variation, residue mobility, and thermodynamic stability) has been performed at Invitae for this missense variant, however the output from this modeling did not meet the statistical confidence thresholds required to predict the impact of this variant on SMAD4 protein function. In summary, the available evidence is currently insufficient to determine the role of this variant in disease. Therefore, it has been classified as a Variant of Uncertain Significance.

Ambry Genetics
Classification: Uncertain significance for Hereditary cancer-predisposing syndrome; Familial thoracic aortic aneurysm and aortic dissection. Last evaluated: 2022-06-11. Review status: criteria provided, single submitter. Criteria: Ambry Variant Classification Scheme 2023. Collection method: clinical testing. Allele origin: germline.
Comment: The p.A456T variant (also known as c.1366G>A), located in coding exon 10 of the SMAD4 gene, results from a G to A substitution at nucleotide position 1366. The alanine at codon 456 is replaced by threonine, an amino acid with similar properties. This amino acid position is conserved. In addition, the in silico prediction for this alteration is inconclusive. Since supporting evidence is limited at this time, the clinical significance of this alteration remains unclear.

NM_005359.6(SMAD4):c.1366G>A (p.Ala456Thr)

Gene: SMAD4 (SMAD family member 4; plus strand). Cytogenetic location: 18q21.2.
Variant type: single nucleotide variant.
Coding change: c.1366G>A on transcript NM_005359.6 (MANE Select); coding-DNA position 1366, G replaced by A.
Protein change: p.Ala456Thr; replaces alanine 456 with threonine.
Molecular consequence: missense variant.
Genome position (GRCh38, 1-based): chr18:51,076,695, G>A. VCF-style: chr18-51076695-G-A. GRCh37 (hg19) VCF-style: chr18-48603065-G-A.
Other names: c.1366G>A, p.Ala456Thr (NM_001407041.1, NM_001407042.1); short protein forms A456T.
Identifiers: ClinVar variation 1770939 (VCV001770939.5), dbSNP rs2144474015, ClinGen allele CA402465230.